The following is an entry in ClinVar:

NM_005228.5(EGFR):c.2009G>A (p.Arg670Lys)

Gene: EGFR (epidermal growth factor receptor; plus strand). Cytogenetic location: 7p11.2.
Variant type: single nucleotide variant.
Coding change: c.2009G>A on transcript NM_005228.5 (MANE Select); coding-DNA position 2009, G replaced by A.
Protein change: p.Arg670Lys; replaces arginine 670 with lysine.
Molecular consequence: missense variant.
Genome position (GRCh38, 1-based): chr7:55,173,072, G>A. VCF-style: chr7-55173072-G-A. GRCh37 (hg19) VCF-style: chr7-55240765-G-A.
Other names: c.1874G>A, p.Arg625Lys (NM_001346897.2, NM_001346899.2); c.2009G>A, p.Arg670Lys (NM_001346898.2); c.1850G>A, p.Arg617Lys (NM_001346900.2); c.1208G>A, p.Arg403Lys (NM_001346941.2); short protein forms R625K, R403K, R617K, R670K.
Identifiers: ClinVar variation 4016754 (VCV004016754.1).

ClinVar aggregate classification (germline): Uncertain significance (1 of 4 stars; one submission).

Conditions:
Hereditary cancer-predisposing syndrome. Also called: Tumor predisposition; Hereditary neoplastic syndrome; Neoplastic Syndromes, Hereditary; Hereditary Cancer Syndrome. Identifiers: Orphanet 140162, MedGen C0027672, MeSH D009386, MONDO:0015356.

gnomAD v4.1: 3 of 1,613,496 alleles (0.00019%); highest among the groups gnomAD compares: Non-Finnish European, 0.00025%; no homozygotes.

Submission:

Ambry Genetics
Classification: Uncertain significance for Hereditary cancer-predisposing syndrome. Last evaluated: 2025-04-20. Review status: criteria provided, single submitter. Criteria: Ambry Variant Classification Scheme 2023. Collection method: clinical testing. Allele origin: germline.
Comment: The p.R670K variant (also known as c.2009G>A), located in coding exon 17 of the EGFR gene, results from a G to A substitution at nucleotide position 2009. The arginine at codon 670 is replaced by lysine, an amino acid with highly similar properties. This amino acid position is conserved. In addition, the in silico prediction for this alteration is inconclusive. Based on the available evidence, the clinical significance of this variant remains unclear.